The following is an entry in ClinVar:

ClinVar aggregate classification (germline): Uncertain significance (1 of 4 stars; one submission).

Submission:

GeneDx
Classification: Uncertain significance. Last evaluated: 2022-06-09. Review status: criteria provided, single submitter. Criteria: GeneDx Variant Classification Process June 2021. Collection method: clinical testing. Allele origin: germline. Affected: yes.
Comment: Not observed at significant frequency in large population cohorts (gnomAD); In silico analysis supports that this missense variant does not alter protein structure/function; Has not been previously published as pathogenic or benign to our knowledge

NM_013444.4(UBQLN2):c.1016G>T (p.Gly339Val)

Gene: UBQLN2 (ubiquilin 2; plus strand). Cytogenetic location: Xp11.21.
Variant type: single nucleotide variant.
Coding change: c.1016G>T on transcript NM_013444.4 (MANE Select); coding-DNA position 1016, G replaced by T.
Protein change: p.Gly339Val; replaces glycine 339 with valine.
Molecular consequence: missense variant.
Genome position (GRCh38, 1-based): chrX:56,564,889, G>T. VCF-style: chrX-56564889-G-T. GRCh37 (hg19) VCF-style: chrX-56591322-G-T.
Other names: short protein forms G339V.
Identifiers: ClinVar variation 1803364 (VCV001803364.1), dbSNP rs2519962640, ClinGen allele CA413379645.
Genomic context (GRCh38, chrX:56,564,889, plus strand): 5'-CATGGGCACCACCGCCAGCTACCCAGAGTTCTGCAACTACCAGCACGACCACAAGCACTG[G>T]TAGTGGGTCTGGCAATAGTTCCAGCAATGCTACTGGGAACACCGTTGCTGCCGCTAATTA-3'
Protein context (NP_038472.2, residues 329-349): SATTSTTTST[Gly339Val]SGSGNSSSNA